The following is an entry in ClinVar:

ClinVar aggregate classification (germline): Conflicting classifications of pathogenicity. Review status: criteria provided, conflicting classifications (1 of 4 stars). 9 submissions from 9 submitters: Uncertain significance (2); Benign (3); Likely benign (3). 1 of the submissions does not count toward it. Last evaluated 2025-10-22.

Conditions:
21-Hydroxylase-Deficient Congenital Adrenal Hyperplasia. Also called: ADRENAL HYPERPLASIA, CONGENITAL, DUE TO 21-HYDROXYLASE DEFICIENCY; ADRENAL HYPERPLASIA III. Identifiers: MedGen C2936858, OMIM 201910.

Allele frequency attached by ClinVar (database versions not stated): ESP Exome Variant Server 0.01567; 1000 Genomes Project 30x 0.02311.
gnomAD v4.1: 5,128 of 1,571,116 alleles (0.33%); highest among the groups gnomAD compares: African/African-American, 5.9%; 1 homozygote.

Submissions (9):

Athena Diagnostics
Classification: Likely benign. Last evaluated: 2025-10-22. Review status: criteria provided, single submitter. Criteria: Athena Diagnostics Criteria. Collection method: clinical testing. Allele origin: unknown.
Comment: The frequency of this variant in the general population is higher than would generally be expected for pathogenic variants in this gene. Assessment of experimental evidence regarding the effect of this variant on protein function is inconclusive.

Blueprint Genetics
Classification: Uncertain significance. Last evaluated: 2024-10-24. Review status: criteria provided, single submitter. Criteria: ACMG Guidelines, 2015. Collection method: clinical testing. Allele origin: germline.

Quest Diagnostics Nichols Institute San Juan Capistrano
Classification: Likely benign. Last evaluated: 2023-06-15. Review status: criteria provided, single submitter. Criteria: Quest Diagnostics criteria. Collection method: clinical testing. Allele origin: unknown.

Newborn Screening Ontario, Children's Hospital of Eastern Ontario (CHEO)
Classification: Likely benign for 21-Hydroxylase-Deficient Congenital Adrenal Hyperplasia. Last evaluated: 2023-05-25. Review status: criteria provided, single submitter. Criteria: ACMG Guidelines, 2015. Collection method: clinical testing. Allele origin: germline. Inheritance: Autosomal recessive inheritance.

Mendelics
Classification: Benign for 21-Hydroxylase-Deficient Congenital Adrenal Hyperplasia. Last evaluated: 2019-05-28. Review status: criteria provided, single submitter. Criteria: Mendelics Assertion Criteria 2017. Collection method: clinical testing. Allele origin: unknown.

GeneDx
Classification: Benign. Last evaluated: 2018-09-11. Review status: criteria provided, single submitter. Criteria: GeneDx Variant Classification Process June 2021. Collection method: clinical testing. Allele origin: germline. Affected: yes.
Comment: This variant is associated with the following publications: (PMID: 21228398, 23359706, 15110320)

Center for Pediatric Genomic Medicine, Children's Mercy Hospital and Clinics
Classification: Benign. Last evaluated: 2017-05-02. Review status: criteria provided, single submitter. Criteria: ACMG Guidelines, 2015. Collection method: clinical testing. Allele origin: germline.

Eurofins Ntd Llc (ga)
Classification: Uncertain significance. Last evaluated: 2017-02-16. Review status: criteria provided, single submitter. Criteria: EGL Classification Definitions 2015. Collection method: clinical testing. Allele origin: germline. Observed: 1 variant allele, 1 heterozygote.

Zotz-Klimas Genetics Lab, MVZ Zotz Klimas
Classification: Uncertain significance for 21-Hydroxylase-Deficient Congenital Adrenal Hyperplasia. Last evaluated: 2023-10-09. Review status: no assertion criteria provided. Collection method: clinical testing. Allele origin: germline. Affected: yes. Not counted in ClinVar's aggregate classification.

Literature cited by the submitters: PubMed 15110320 (cited by Athena Diagnostics and Quest Diagnostics Nichols Institute San Juan Capistrano); PubMed 21228398 (cited by Athena Diagnostics and Quest Diagnostics Nichols Institute San Juan Capistrano); PubMed 32616876 (cited by Athena Diagnostics and Quest Diagnostics Nichols Institute San Juan Capistrano); PubMed 33604243 (cited by Athena Diagnostics and Quest Diagnostics Nichols Institute San Juan Capistrano); PubMed 25630015 (cited by Athena Diagnostics and Quest Diagnostics Nichols Institute San Juan Capistrano); PubMed 16788163 (cited by Athena Diagnostics and Quest Diagnostics Nichols Institute San Juan Capistrano); PubMed 21169732 (cited by Athena Diagnostics and Quest Diagnostics Nichols Institute San Juan Capistrano); PubMed 22841790 (cited by Athena Diagnostics and Quest Diagnostics Nichols Institute San Juan Capistrano); PubMed 21534945 (cited by Athena Diagnostics and Quest Diagnostics Nichols Institute San Juan Capistrano); PubMed 23241443 (cited by Athena Diagnostics and Quest Diagnostics Nichols Institute San Juan Capistrano); PubMed 32289882 (cited by Athena Diagnostics and Quest Diagnostics Nichols Institute San Juan Capistrano); PubMed 17119906 (cited by Athena Diagnostics and Quest Diagnostics Nichols Institute San Juan Capistrano); PubMed 23359706 (cited by Athena Diagnostics and Quest Diagnostics Nichols Institute San Juan Capistrano); PubMed 19505723 (cited by Athena Diagnostics and Quest Diagnostics Nichols Institute San Juan Capistrano); PubMed 32838438 (cited by Athena Diagnostics and Quest Diagnostics Nichols Institute San Juan Capistrano); PubMed 37011374 (cited by Athena Diagnostics and Quest Diagnostics Nichols Institute San Juan Capistrano).

NM_000500.9(CYP21A2):c.1439G>T (p.Arg480Leu)

Genes: CYP21A2 (cytochrome P450 family 21 subfamily A member 2; plus strand), TNXB (tenascin XB; minus strand), LOC106780800 (CYP21A2 recombination region; plus strand). Cytogenetic location: 6p21.33.
Variant type: single nucleotide variant.
Coding change: c.1439G>T on transcript NM_000500.9 (MANE Select); coding-DNA position 1439, G replaced by T.
Protein change: p.Arg480Leu; replaces arginine 480 with leucine.
Molecular consequence: missense variant.
Genome position (GRCh38, 1-based): chr6:32,041,085, G>T. VCF-style: chr6-32041085-G-T. GRCh37 (hg19) VCF-style: chr6-32008862-G-T.
Other names: c.1349G>T, p.Arg450Leu (NM_001128590.4); c.1034G>T, p.Arg345Leu (NM_001368143.2, NM_001368144.2); short protein forms R480L, R345L, R450L.
Identifiers: ClinVar variation 445854 (VCV000445854.18), dbSNP rs184649564, ClinGen allele CA3732727.